The following is an entry in ClinVar:

NM_004341.5(CAD):c.5062G>A (p.Ala1688Thr)

Gene: CAD (carbamoyl-phosphate synthetase 2, aspartate transcarbamylase, and dihydroorotase; plus strand). Cytogenetic location: 2p23.3.
Variant type: single nucleotide variant.
Coding change: c.5062G>A on transcript NM_004341.5 (MANE Select); coding-DNA position 5062, G replaced by A.
Protein change: p.Ala1688Thr; replaces alanine 1688 with threonine.
Molecular consequence: missense variant.
Genome position (GRCh38, 1-based): chr2:27,238,632, G>A. VCF-style: chr2-27238632-G-A. GRCh37 (hg19) VCF-style: chr2-27461500-G-A.
Other names: c.4873G>A, p.Ala1625Thr (NM_001306079.2); short protein forms A1625T, A1688T.
Identifiers: ClinVar variation 4072304 (VCV004072304.1).

ClinVar aggregate classification (germline): Uncertain significance (1 of 4 stars; one submission).

Conditions:
Developmental and epileptic encephalopathy, 50 (DEE50). Also called: Epileptic encephalopathy, early infantile, 50. Identifiers: Orphanet 448010, MedGen C4225320, MONDO:0014647, OMIM 616457.

Submission:

3billion
Classification: Uncertain significance for Developmental and epileptic encephalopathy, 50. Last evaluated: 2024-11-27. Review status: criteria provided, single submitter. Criteria: ACMG Guidelines, 2015. Collection method: clinical testing. Allele origin: germline. Affected: yes.
Comment: The variant is not observed in the gnomAD v4.1.0 dataset. Predicted Consequence/Location: Missense variant In silico tool predictions suggest no damaging effect of the variant on gene or gene product [REVEL: 0.17 (<0.4); 3Cnet: 0.00 (<0.15, specificity 0.78 and negative predictive value 0.92)]. Therefore, this variant is classified as VUS according to the recommendation of ACMG/AMP guideline.